The following is an entry in ClinVar:

NM_014317.5(PDSS1):c.832-287T>C

Gene: PDSS1 (decaprenyl diphosphate synthase subunit 1; plus strand). Cytogenetic location: 10p12.1.
Variant type: single nucleotide variant.
Coding change: c.832-287T>C on transcript NM_014317.5 (MANE Select); 287 bases into the intron before coding-DNA position 832, T replaced by C.
Molecular consequence: intron variant.
Genome position (GRCh38, 1-based): chr10:26,734,953, T>C. VCF-style: chr10-26734953-T-C. GRCh37 (hg19) VCF-style: chr10-27023882-T-C.
Other names: c.322-287T>C (NM_001321979.2); c.836-7544T>C (NM_001321978.2).
Identifiers: ClinVar variation 671244 (VCV000671244.2), dbSNP rs11015253, ClinGen allele CA13330563.

ClinVar aggregate classification (germline): Benign. Review status: criteria provided, multiple submitters, no conflicts (2 of 4 stars). 2 submissions from 2 submitters: Benign (2). Last evaluated 2018-06-14.

Allele frequency attached by ClinVar (database versions not stated): 1000 Genomes Project 0.06190; 1000 Genomes Project 30x 0.06230; TOPMed 0.09596; gnomAD 0.10236 and 0.10373.
gnomAD v4.1: 15,701 of 152,192 alleles (10%); highest among the groups gnomAD compares: Non-Finnish European, 15%; 995 homozygotes.

Submissions (2):

GeneDx
Classification: Benign. Last evaluated: 2018-06-14. Review status: criteria provided, single submitter. Criteria: GeneDx Variant Classification (06012015). Collection method: clinical testing. Allele origin: germline. Affected: yes.
Comment: This variant is considered likely benign or benign based on one or more of the following criteria: it is a conservative change, it occurs at a poorly conserved position in the protein, it is predicted to be benign by multiple in silico algorithms, and/or has population frequency not consistent with disease.

Breakthrough Genomics
Classification: Benign. Review status: criteria provided, single submitter. Criteria: ACMG Guidelines, 2015. Collection method: not provided. Allele origin: germline. Inheritance: Autosomal recessive inheritance. Affected: yes.